The following is an entry in ClinVar:

ClinVar aggregate classification (germline): Uncertain significance. Review status: criteria provided, multiple submitters, no conflicts (2 of 4 stars). 2 submissions from 2 submitters: Uncertain significance (2). Last evaluated 2023-12-04.

Conditions:
Hereditary cancer-predisposing syndrome. Also called: Neoplastic Syndromes, Hereditary; Hereditary Cancer Syndrome; Tumor predisposition; Hereditary neoplastic syndrome. Identifiers: Orphanet 140162, MedGen C0027672, MeSH D009386, MONDO:0015356.
Ataxia-telangiectasia syndrome (AT). Also called: LOUIS-BAR SYNDROME; Cerebello-oculocutaneous telangiectasia; Immunodeficiency with ataxia telangiectasia; Ataxia-telangiectasia, complementation group D; AT, COMPLEMENTATION GROUP C; Ataxia-telangiectasia, complementation group E. Identifiers: Orphanet 100, MedGen C0004135, MONDO:0008840, OMIM 208900.

Submissions (2):

Color Diagnostics, LLC DBA Color Health
Classification: Uncertain significance for Hereditary cancer-predisposing syndrome. Last evaluated: 2023-12-04. Review status: criteria provided, single submitter. Criteria: ACMG Guidelines, 2015. Collection method: clinical testing. Allele origin: germline.
Comment: This missense variant replaces histidine with leucine at codon 2125 of the ATM protein. Computational prediction suggests that this variant may have deleterious impact on protein structure and function (internally defined REVEL score threshold >= 0.7, PMID: 27666373). To our knowledge, functional studies have not been reported for this variant. This variant has not been reported in individuals affected with ATM-related disorders in the literature. This variant has not been identified in the general population by the Genome Aggregation Database (gnomAD). The available evidence is insufficient to determine the role of this variant in disease conclusively. Therefore, this variant is classified as a Variant of Uncertain Significance.

Labcorp Genetics (formerly Invitae), Labcorp
Classification: Uncertain significance for Ataxia-telangiectasia syndrome. Last evaluated: 2023-05-17. Review status: criteria provided, single submitter. Criteria: Invitae Variant Classification Sherloc (09022015). Collection method: clinical testing. Allele origin: germline.
Comment: ClinVar contains an entry for this variant (Variation ID: 490650). This variant has not been reported in the literature in individuals affected with ATM-related conditions. This variant is not present in population databases (gnomAD no frequency). This sequence change replaces histidine, which is basic and polar, with leucine, which is neutral and non-polar, at codon 2125 of the ATM protein (p.His2125Leu). In summary, the available evidence is currently insufficient to determine the role of this variant in disease. Therefore, it has been classified as a Variant of Uncertain Significance. An algorithm developed to predict the effect of missense changes on protein structure and function (PolyPhen-2) suggests that this variant is likely to be disruptive.

NM_000051.4(ATM):c.6374A>T (p.His2125Leu)

Genes: ATM (ATM serine/threonine kinase; plus strand), C11orf65 (chromosome 11 open reading frame 65; minus strand). Cytogenetic location: 11q22.3.
Variant type: single nucleotide variant.
Coding change: c.6374A>T on transcript NM_000051.4 (MANE Select); coding-DNA position 6374, A replaced by T.
Protein change: p.His2125Leu; replaces histidine 2125 with leucine.
Molecular consequence: missense variant. On other transcripts: intron variant (2).
Genome position (GRCh38, 1-based): chr11:108,319,980, A>T. VCF-style: chr11-108319980-A-T. GRCh37 (hg19) VCF-style: chr11-108190707-A-T.
Other names: c.6374A>T, p.His2125Leu (NM_001351834.2); c.641-10909T>A (NM_001330368.2); c.*39-10909T>A (NM_001351110.2); short protein forms H2125L.
Identifiers: ClinVar variation 490650 (VCV000490650.12), dbSNP rs730881381, ClinGen allele CA382553260.